The following is an entry in ClinVar:

ClinVar aggregate classification (germline): Pathogenic (1 of 4 stars; one submission).

Submission:

CeGaT Center for Human Genetics Tuebingen
Classification: Pathogenic. Last evaluated: 2023-04-01. Review status: criteria provided, single submitter. Criteria: CeGaT Center For Human Genetics Tuebingen Variant Classification Criteria Version 2. Collection method: clinical testing. Allele origin: germline. Affected: yes. Observed: 1 variant allele.
Comment: NF1: PVS1, PM2

NM_001042492.3(NF1):c.7822dup (p.Glu2608fs)

Gene: NF1 (neurofibromin 1; plus strand). Cytogenetic location: 17q11.2.
Variant type: Duplication.
Coding change: c.7822dup on transcript NM_001042492.3 (MANE Select); coding-DNA position 7822, one base duplicated (G; older notation c.7822dupG).
Protein change: p.Glu2608fs; shifts the reading frame from glutamic acid 2608.
Molecular consequence: frameshift variant.
Genome position (GRCh38, 1-based): chr17:31,357,043, G duplicated. VCF-style (leftmost placement, unchanged base first): chr17-31357042-A-AG. GRCh37 (hg19) VCF-style: chr17-29684060-A-AG.
Other names: c.7759dup, p.Glu2587Glyfs (NM_000267.4); short protein forms E2587fs, E2608fs.
Identifiers: ClinVar variation 2570985 (VCV002570985.27), dbSNP rs2508827711, ClinGen allele CA2580612887.